The following is an entry in ClinVar:

ClinVar aggregate classification (germline): Pathogenic (3 of 4 stars; one submission).

Conditions:
Breast-ovarian cancer, familial, susceptibility to, 1 (BROVCA1). Also called: BRCA1 Hereditary Breast and Ovarian Cancer; OVARIAN CANCER, SUSCEPTIBILITY TO. Identifiers: Orphanet 145, MedGen C2676676, MONDO:0011450, OMIM 604370. Disease mechanism: loss of function.

Submission:

Evidence-based Network for the Interpretation of Germline Mutant Alleles (ENIGMA)
Classification: Pathogenic for Breast-ovarian cancer, familial, susceptibility to, 1. Last evaluated: 2016-09-08. Review status: reviewed by expert panel. Criteria: ENIGMA BRCA1/2 Classification Criteria (2015). Collection method: curation. Allele origin: germline.
Comment: Variant allele predicted to encode a truncated non-functional protein.

NM_007294.4(BRCA1):c.737T>A (p.Leu246Ter)

Gene: BRCA1 (BRCA1 DNA repair associated; minus strand). Cytogenetic location: 17q21.31.
Variant type: single nucleotide variant.
Coding change: c.737T>A on transcript NM_007294.4 (MANE Select); coding-DNA position 737, T replaced by A.
Protein change: p.Leu246Ter; replaces leucine 246 with a stop codon.
Molecular consequence: nonsense. On other transcripts: non-coding transcript variant (1).
Genome position (GRCh38, 1-based): chr17:43,094,794, A>T on the plus strand (T>A on the coding strand, the complement: BRCA1 is on the minus strand). VCF-style: chr17-43094794-A-T. GRCh37 (hg19) VCF-style: chr17-41246811-A-T.
Other names: c.611T>A, p.Leu204Ter (NM_001407687.1, NM_001407688.1, NM_001407689.1 and 20 more transcripts); c.596T>A, p.Leu199Ter (NM_001407692.1, NM_001407694.1, NM_001407695.1 and 43 more transcripts); c.593T>A, p.Leu198Ter (NM_001407740.1, NM_001407741.1, NM_001407742.1 and 26 more transcripts); c.524T>A, p.Leu175Ter (NM_001407853.1, NM_001407894.1, NM_001407895.1 and 12 more transcripts); c.737T>A, p.Leu246Ter (NM_001407854.1, NM_001407858.1, NM_001407859.1 and 54 more transcripts); c.734T>A, p.Leu245Ter (NM_001407860.1, NM_001407861.1, NM_001407972.1 and 38 more transcripts); c.536T>A, p.Leu179Ter (NM_001407862.1, NM_001408474.1, NM_001408476.1); c.614T>A, p.Leu205Ter (NM_001407863.1, NM_001407919.1, NM_001407937.1 and 34 more transcripts); and 14 more; short protein forms L246*, L199*, L119*, L204*, L157*, L158*, L198*, L205*.
Identifiers: ClinVar variation 254378 (VCV000254378.3), dbSNP rs886037977, ClinGen allele CA10586667.